The following is an entry in ClinVar:

NM_000090.4(COL3A1):c.689A>T (p.Asp230Val)

Gene: COL3A1 (collagen type III alpha 1 chain; plus strand). Cytogenetic location: 2q32.2.
Variant type: single nucleotide variant.
Coding change: c.689A>T on transcript NM_000090.4 (MANE Select); coding-DNA position 689, A replaced by T.
Protein change: p.Asp230Val; replaces aspartic acid 230 with valine.
Molecular consequence: missense variant.
Genome position (GRCh38, 1-based): chr2:188,989,448, A>T. VCF-style: chr2-188989448-A-T. GRCh37 (hg19) VCF-style: chr2-189854174-A-T.
Other names: short protein forms D230V.
Identifiers: ClinVar variation 5006174 (VCV005006174.2).

ClinVar aggregate classification (germline): Uncertain significance (1 of 4 stars; one submission).

Conditions:
Ehlers-Danlos syndrome, type 4 (EDSVASC). Also called: Ehlers-Danlos syndrome vascular type; Ehlers Danlos syndrome, ecchymotic type; Ehlers Danlos syndrome, arterial type; Ehlers Danlos syndrome, Sack-Barabas type; Ehlers-Danlos Syndrome Type IV. Identifiers: Orphanet 286, MedGen C0268338, MONDO:0017314, OMIM 130050.
Polymicrogyria with or without vascular-type Ehlers-Danlos syndrome. Identifiers: Orphanet 636941, MedGen C5193040, MONDO:0032688, OMIM 618343.

Submission:

Juno Genomics, Hangzhou Juno Genomics, Inc
Classification: Uncertain significance for Ehlers-Danlos syndrome, type 4; Polymicrogyria with or without vascular-type Ehlers-Danlos syndrome. Review status: criteria provided, single submitter. Criteria: ACMG Guidelines, 2015. Collection method: clinical testing. Allele origin: germline.
Comment: Absent from controls (or at extremely low frequency if recessive) in Genome Aggregation Database.;Multiple lines of computational evidence support a deleterious effect on the gene or gene product.